The following is an entry in ClinVar:

NM_000264.5(PTCH1):c.217C>T (p.Arg73Trp)

Gene: PTCH1 (patched 1; minus strand). Cytogenetic location: 9q22.32.
Variant type: single nucleotide variant.
Coding change: c.217C>T on transcript NM_000264.5 (MANE Select); coding-DNA position 217, C replaced by T.
Protein change: p.Arg73Trp; replaces arginine 73 with tryptophan.
Molecular consequence: missense variant. On other transcripts: 5 prime UTR variant (4), non-coding transcript variant (1).
Genome position (GRCh38, 1-based): chr9:95,506,584, G>A on the plus strand (C>T on the coding strand, the complement: PTCH1 is on the minus strand). VCF-style: chr9-95506584-G-A. GRCh37 (hg19) VCF-style: chr9-98268866-G-A.
Other names: c.19C>T, p.Arg7Trp (NM_001083602.3, NM_001354919.2); c.214C>T, p.Arg72Trp (NM_001083603.3); c.-237C>T (NM_001083604.3, NM_001083605.3, NM_001083606.3 and 1 more transcripts); c.217C>T, p.Arg73Trp (NM_001354918.2); short protein forms R7W, R73W, R72W.
Identifiers: ClinVar variation 409171 (VCV000409171.15), dbSNP rs751511116, ClinGen allele CA16612786.

ClinVar aggregate classification (germline): Conflicting classifications of pathogenicity. Review status: criteria provided, conflicting classifications (1 of 4 stars). 3 submissions from 3 submitters: Uncertain significance (1); Likely benign (2). Last evaluated 2025-10-14.

Conditions:
Gorlin syndrome. Also called: Nevoid Basal Cell Carcinoma Syndrome; Basal cell nevus syndrome. Identifiers: Orphanet 377, MedGen C0004779, MONDO:0007187.
Hereditary cancer-predisposing syndrome. Also called: Hereditary neoplastic syndrome; Neoplastic Syndromes, Hereditary; Tumor predisposition; Hereditary Cancer Syndrome. Identifiers: Orphanet 140162, MedGen C0027672, MeSH D009386, MONDO:0015356.

Allele frequency attached by ClinVar (database versions not stated): gnomAD 0.00002; TOPMed 0.00002.
gnomAD v4.1: 24 of 1,611,946 alleles (0.0015%); highest among the groups gnomAD compares: Non-Finnish European, 0.0019%; no homozygotes.

Submissions (3):

Labcorp Genetics (formerly Invitae), Labcorp
Classification: Likely benign for Gorlin syndrome. Last evaluated: 2025-10-14. Review status: criteria provided, single submitter. Criteria: Invitae Variant Classification Sherloc (09022015). Collection method: clinical testing. Allele origin: germline.

GeneDx
Classification: Uncertain significance. Last evaluated: 2023-07-07. Review status: criteria provided, single submitter. Criteria: GeneDx Variant Classification Process June 2021. Collection method: clinical testing. Allele origin: germline. Affected: yes.
Comment: Not observed at significant frequency in large population cohorts (gnomAD); In silico analysis supports that this missense variant has a deleterious effect on protein structure/function; Has not been previously published as pathogenic or benign to our knowledge

Ambry Genetics
Classification: Likely benign for Hereditary cancer-predisposing syndrome. Last evaluated: 2022-04-21. Review status: criteria provided, single submitter. Criteria: Ambry Variant Classification Scheme 2023. Collection method: clinical testing. Allele origin: germline.